The following is an entry in ClinVar:

ClinVar aggregate classification (germline): Benign/Likely benign. Review status: criteria provided, multiple submitters, no conflicts (2 of 4 stars). 9 submissions from 8 submitters: Benign (4); Likely benign (4). 1 of the submissions does not count toward it. Last evaluated 2026-09-01.

Conditions:
Lethal Kniest-like syndrome (DDSH). Also called: Dyssegmental Dysplasia. Identifiers: Orphanet 1865, MedGen C1857100, MONDO:0009140, OMIM 224410.
Schwartz-Jampel syndrome. Also called: Myotonic myopathy dwarfism chondrodystrophy and ocular and facial abnormalities. Identifiers: Orphanet 800, MedGen C0036391, MONDO:0009717.
HSPG2-related disorder. Also called: HSPG2-related condition; HSPG2-related disorders.

Allele frequency attached by ClinVar (database versions not stated): gnomAD exomes 0.00040 and 0.00092; ExAC 0.00248; gnomAD 0.00378 and 0.00406; 1000 Genomes Project 0.00419; 1000 Genomes Project 30x 0.00422; TOPMed 0.00423; ESP Exome Variant Server 0.00434.
gnomAD v4.1: 1,163 of 1,559,134 alleles (0.075%); highest among the groups gnomAD compares: African/African-American, 1.4%; 10 homozygotes.

Submissions (9):

CeGaT Center for Human Genetics Tuebingen
Classification: Likely benign. Last evaluated: 2026-09-01. Review status: criteria provided, single submitter. Criteria: CeGaT Center For Human Genetics Tuebingen Variant Classification Criteria Version 2. Collection method: clinical testing. Allele origin: germline. Affected: yes. Observed: 2 variant alleles.
Comment: HSPG2: BP4, BS1

Labcorp Genetics (formerly Invitae), Labcorp
Classification: Benign. Last evaluated: 2026-01-16. Review status: criteria provided, single submitter. Criteria: Invitae Variant Classification Sherloc (09022015). Collection method: clinical testing. Allele origin: germline.

Athena Diagnostics
Classification: Benign. Last evaluated: 2025-05-08. Review status: criteria provided, single submitter. Criteria: Athena Diagnostics Criteria. Collection method: clinical testing. Allele origin: unknown.
Comment: The frequency of this variant in the general population is higher than would generally be expected for pathogenic variants in this gene.

Blueprint Genetics
Classification: Likely benign. Last evaluated: 2024-10-09. Review status: criteria provided, single submitter. Criteria: ACMG Guidelines, 2015. Collection method: clinical testing. Allele origin: germline.

Illumina Laboratory Services, Illumina
Classification: Benign for Lethal Kniest-like syndrome. Last evaluated: 2018-01-13. Review status: criteria provided, single submitter. Criteria: ICSL Variant Classification Criteria 13 December 2019. Collection method: clinical testing. Allele origin: germline.
Comment: This variant was observed in the ICSL laboratory as part of a predisposition screen in an ostensibly healthy population. It had not been previously curated by ICSL or reported in the Human Gene Mutation Database (HGMD: prior to June 1st, 2018), and was therefore a candidate for classification through an automated scoring system. Utilizing variant allele frequency, disease prevalence and penetrance estimates, and inheritance mode, an automated score was calculated to assess if this variant is too frequent to cause the disease. Based on the score and internal cut-off values, a variant classified as benign is not then subjected to further curation. The score for this variant resulted in a classification of benign for this disease.

Illumina Laboratory Services, Illumina
Classification: Benign for Schwartz-Jampel syndrome type 1. Last evaluated: 2018-01-13. Review status: criteria provided, single submitter. Criteria: ICSL Variant Classification Criteria 13 December 2019. Collection method: clinical testing. Allele origin: germline.
Comment: the same text as in the submission from Illumina Laboratory Services, Illumina above.

ARUP Laboratories, Molecular Genetics and Genomics, ARUP Laboratories
Classification: Likely benign. Last evaluated: 2017-12-31. Review status: criteria provided, single submitter. Criteria: ARUP Molecular Germline Variant Investigation Process. Collection method: clinical testing. Allele origin: germline.
Comment: The c.4132G>A; p.Glu1378Lys variant (rs62642525), to our knowledge, is not reported in the medical literature, but is listed in ClinVar as benign/uncertain significance (ClinVar ID 295849). This variant is listed in the genome Aggregation Database (gnomAD) with an African population frequency of 1.4% (identified on 242 out of 17,178 chromosomes, including 2 homozygotes). The glutamic acid at position 1378 is weakly conserved, considering 12 species (Alamut software v.2.10.0), and computational analyses of the effects of the p.Glu1378Lys variant on protein structure and function do not predict deleterious changes (SIFT: tolerated, PolyPhen-2: benign, Align GVGD: Class C0). Based on the available information, the p.Glu1378Lys variant is likely to be benign.

Breakthrough Genomics
Classification: Likely benign. Review status: criteria provided, single submitter. Criteria: ACMG Guidelines, 2015. Collection method: not provided. Allele origin: germline. Inheritance: Autosomal recessive inheritance. Affected: yes.

PreventionGenetics, part of Exact Sciences
Classification: Benign for HSPG2-related condition. Last evaluated: 2024-01-05. Review status: no assertion criteria provided. Collection method: clinical testing. Allele origin: germline. Not counted in ClinVar's aggregate classification.
Comment: This variant is classified as benign based on ACMG/AMP sequence variant interpretation guidelines (Richards et al. 2015 PMID: 25741868, with internal and published modifications).

NM_005529.7(HSPG2):c.4132G>A (p.Glu1378Lys)

Gene: HSPG2 (heparan sulfate proteoglycan 2; minus strand). Cytogenetic location: 1p36.12.
Variant type: single nucleotide variant.
Coding change: c.4132G>A on transcript NM_005529.7 (MANE Select); coding-DNA position 4132, G replaced by A.
Protein change: p.Glu1378Lys; replaces glutamic acid 1378 with lysine.
Molecular consequence: missense variant.
Genome position (GRCh38, 1-based): chr1:21,872,275, C>T on the plus strand (G>A on the coding strand, the complement: HSPG2 is on the minus strand). VCF-style: chr1-21872275-C-T. GRCh37 (hg19) VCF-style: chr1-22198768-C-T.
Other names: c.4135G>A, p.Glu1379Lys (NM_001291860.2); short protein forms E1378K, E1379K.
Identifiers: ClinVar variation 295849 (VCV000295849.34), dbSNP rs62642525, ClinGen allele CA672364.